The following is an entry in ClinVar:

NM_014874.4(MFN2):c.175+9G>A

Gene: MFN2 (mitofusin 2; plus strand). Cytogenetic location: 1p36.22.
Variant type: single nucleotide variant.
Coding change: c.175+9G>A on transcript NM_014874.4 (MANE Select); 9 bases into the intron after coding-DNA position 175, G replaced by A.
Molecular consequence: intron variant.
Genome position (GRCh38, 1-based): chr1:11,989,352, G>A. VCF-style: chr1-11989352-G-A. GRCh37 (hg19) VCF-style: chr1-12049409-G-A.
Other names: p.?; c.175+9G>A (NM_001127660.2).
Identifiers: ClinVar variation 499726 (VCV000499726.18), dbSNP rs373340717, ClinGen allele CA598753.
Genomic context (GRCh38, chr1:11,989,352, plus strand): 5'-ATTTTTGAGCAGCTGGGGGCCTACATCCAGGAGAGCGCCACCTTCCTTGAAGGTAAGGGG[G>A]CACCGGCTCAGCCAGGCCCGCTCTTACCTGTTTAGATATTTAGCTAGTGGGATTTGCGGG-3'

ClinVar aggregate classification (germline): Conflicting classifications of pathogenicity. Review status: criteria provided, conflicting classifications (1 of 4 stars). 6 submissions from 6 submitters: Uncertain significance (1); Likely benign (5). Last evaluated 2026-04-16.

Conditions:
MFN2-related disorder. Also called: MFN2-related condition; MFN2-related disorders.
Charcot-Marie-Tooth disease type 2. Also called: Charcot-Marie-Tooth type 2. Identifiers: Orphanet 64746, MedGen C0270914, MONDO:0018993.

Allele frequency attached by ClinVar (database versions not stated): ExAC 0.00007; ESP Exome Variant Server 0.00015; gnomAD 0.00015 and 0.00018; TOPMed 0.00015.
gnomAD v4.1: 155 of 1,613,406 alleles (0.0096%); highest among the groups gnomAD compares: Middle Eastern, 0.21%; no homozygotes.

Submissions (6):

PreventionGenetics, part of Exact Sciences
Classification: Likely benign for MFN2-related condition. Last evaluated: 2026-04-16. Review status: criteria provided, single submitter. Criteria: ACMG Guidelines, 2015. Collection method: clinical testing. Allele origin: germline.
Comment: This variant is classified as likely benign based on ACMG/AMP sequence variant interpretation guidelines (Richards et al. 2015 PMID: 25741868, with internal and published modifications).

Labcorp Genetics (formerly Invitae), Labcorp
Classification: Likely benign for Charcot-Marie-Tooth disease type 2. Last evaluated: 2026-02-01. Review status: criteria provided, single submitter. Criteria: Invitae Variant Classification Sherloc (09022015). Collection method: clinical testing. Allele origin: germline.

Mayo Clinic Laboratories, Mayo Clinic
Classification: Likely benign. Last evaluated: 2024-12-27. Review status: criteria provided, single submitter. Criteria: ACMG Guidelines, 2015. Collection method: clinical testing. Allele origin: germline. Observed: 2 variant alleles.
Comment: BP7

Blueprint Genetics
Classification: Likely benign. Last evaluated: 2024-10-24. Review status: criteria provided, single submitter. Criteria: ACMG Guidelines, 2015. Collection method: clinical testing. Allele origin: germline.

GeneDx
Classification: Likely benign. Last evaluated: 2018-03-01. Review status: criteria provided, single submitter. Criteria: GeneDx Variant Classification (06012015). Collection method: clinical testing. Allele origin: germline. Affected: yes.
Comment: This variant is considered likely benign or benign based on one or more of the following criteria: it is a conservative change, it occurs at a poorly conserved position in the protein, it is predicted to be benign by multiple in silico algorithms, and/or has population frequency not consistent with disease.

Eurofins Ntd Llc (ga)
Classification: Uncertain significance. Last evaluated: 2017-01-25. Review status: criteria provided, single submitter. Criteria: EGL Classification Definitions 2015. Collection method: clinical testing. Allele origin: germline. Observed: 1 variant allele, 1 heterozygote.